The following is an entry in ClinVar:

ClinVar aggregate classification (germline): Likely pathogenic (1 of 4 stars; one submission).

Submission:

CeGaT Center for Human Genetics Tuebingen
Classification: Likely pathogenic. Last evaluated: 2022-11-01. Review status: criteria provided, single submitter. Criteria: CeGaT Center For Human Genetics Tuebingen Variant Classification Criteria Version 2. Collection method: clinical testing. Allele origin: germline. Affected: yes. Observed: 1 variant allele.
Comment: TFE3: PM1, PM2, PM6

NM_006521.6(TFE3):c.554A>G (p.Asn185Ser)

Gene: TFE3 (transcription factor binding to IGHM enhancer 3; minus strand). Cytogenetic location: Xp11.23.
Variant type: single nucleotide variant.
Coding change: c.554A>G on transcript NM_006521.6 (MANE Select); coding-DNA position 554, A replaced by G.
Protein change: p.Asn185Ser; replaces asparagine 185 with serine.
Molecular consequence: missense variant.
Genome position (GRCh38, 1-based): chrX:49,038,423, T>C on the plus strand (A>G on the coding strand, the complement: TFE3 is on the minus strand). VCF-style: chrX-49038423-T-C. GRCh37 (hg19) VCF-style: chrX-48895948-T-C.
Other names: c.239A>G, p.Asn80Ser (NM_001282142.2); short protein forms N185S, N80S.
Identifiers: ClinVar variation 1711709 (VCV001711709.30), dbSNP rs2520162046, ClinGen allele CA412911026.